The following is an entry in ClinVar:

NM_001145011.2(C16orf96):c.2578G>A (p.Asp860Asn)

Gene: C16orf96 (chromosome 16 open reading frame 96; plus strand). Cytogenetic location: 16p13.3.
Variant type: single nucleotide variant.
Coding change: c.2578G>A on transcript NM_001145011.2 (MANE Select); coding-DNA position 2578, G replaced by A.
Protein change: p.Asp860Asn; replaces aspartic acid 860 with asparagine.
Molecular consequence: missense variant.
Genome position (GRCh38, 1-based): chr16:4,588,317, G>A. VCF-style: chr16-4588317-G-A. GRCh37 (hg19) VCF-style: chr16-4638318-G-A.
Other names: c.2578G>A, p.Asp860Asn (NM_001387219.1); short protein forms D860N.
Identifiers: ClinVar variation 2646152 (VCV002646152.24), dbSNP rs150345449, ClinGen allele CA7877425.

ClinVar aggregate classification (germline): Likely benign (1 of 4 stars; one submission).

Allele frequency attached by ClinVar (database versions not stated): ESP Exome Variant Server 0.00022; 1000 Genomes Project 30x 0.00047; 1000 Genomes Project 0.00060; gnomAD exomes 0.00068; gnomAD 0.00072; TOPMed 0.00090; ExAC 0.00142.

Submission:

CeGaT Center for Human Genetics Tuebingen
Classification: Likely benign. Last evaluated: 2023-04-01. Review status: criteria provided, single submitter. Criteria: CeGaT Center For Human Genetics Tuebingen Variant Classification Criteria Version 2. Collection method: clinical testing. Allele origin: germline. Affected: yes. Observed: 1 variant allele.
Comment: C16orf96: BP4